The following is an entry in ClinVar:

NM_000091.5(COL4A3):c.4472G>A (p.Gly1491Asp)

Genes: COL4A3 (collagen type IV alpha 3 chain; plus strand), MFF-DT (MFF divergent transcript; minus strand). Cytogenetic location: 2q36.3.
Variant type: single nucleotide variant.
Coding change: c.4472G>A on transcript NM_000091.5 (MANE Select); coding-DNA position 4472, G replaced by A.
Protein change: p.Gly1491Asp; replaces glycine 1491 with aspartic acid.
Molecular consequence: missense variant.
Genome position (GRCh38, 1-based): chr2:227,308,908, G>A. VCF-style: chr2-227308908-G-A. GRCh37 (hg19) VCF-style: chr2-228173624-G-A.
Other names: short protein forms G1491D.
Identifiers: ClinVar variation 4879476 (VCV004879476.1).

ClinVar aggregate classification (germline): Uncertain significance (1 of 4 stars; one submission).

Conditions:
Autosomal dominant Alport syndrome (ATS3A). Also called: ALPORT SYNDROME 3A, AUTOSOMAL DOMINANT; Alport syndrome dominant type; Renal failure and sensorineural hearing loss. Identifiers: Orphanet 63, Orphanet 88918, MedGen C5882663, MONDO:0007086, OMIM 104200.
Alport syndrome 3b, autosomal recessive. Identifiers: MedGen C5882699, MONDO:0957811, OMIM 620536.

gnomAD v4.1: 9 of 1,613,828 alleles (0.00056%); highest among the groups gnomAD compares: African/African-American, 0.012%; no homozygotes.

Submission:

Clinical Genomics Laboratory, Washington University in St. Louis
Classification: Uncertain significance for Autosomal dominant Alport syndrome; Alport syndrome 3b, autosomal recessive. Last evaluated: 2025-10-14. Review status: criteria provided, single submitter. Criteria: ACMG Guidelines, 2015. Collection method: clinical testing. Allele origin: germline.
Comment: The COL4A3 c.4472G>A (p.Gly1491Asp) variant, to our knowledge, has not been reported in the medical literature. This variant is only observed in 9/1,613,828 alleles in the general population (gnomAD v.4.1.0), indicating it is not a common variant. Computational predictors indicate that the variant is damaging, evidence that correlates with impact to COL4A3 function. This variant replaces a glycine residue located outside the collagen triple helix repeat domain, which is considered critical for collagen structure, suggesting an unclear pathogenicity (Richards AJ et al., PMID: 35885981). Another variant in a nearby amino acid (c.4474A>T (p.Ser1492Cys), Variation ID: 224788) has been reported in an individual affected by Alport syndrome, when in trans with a pathogenic COL4A3 variant, with carriers not presenting symptoms (Cervera Acedo C et al., PMID: 29089023). Due to limited information and based on the ACMG/AMP guidelines for variant interpretation (Richards S et al., PMID: 25741868), the clinical significance of this variant is uncertain at this time.